The following is an entry in ClinVar:

ClinVar aggregate classification (germline): Likely pathogenic (1 of 4 stars; one submission).

Submission:

GeneDx
Classification: Likely pathogenic. Last evaluated: 2025-08-30. Review status: criteria provided, single submitter. Criteria: GeneDx Variant Classification Process June 2021. Collection method: clinical testing. Allele origin: germline. Affected: yes.
Comment: Frameshift variant predicted to result in protein truncation or nonsense mediated decay in a gene for which loss of function is a known mechanism of disease; Not observed at significant frequency in large population cohorts (gnomAD); Has not been previously published as pathogenic or benign to our knowledge

NM_000258.3(MYL3):c.81del (p.Glu28fs)

Gene: MYL3 (myosin light chain 3; minus strand). Cytogenetic location: 3p21.31.
Variant type: Deletion.
Coding change: c.81del on transcript NM_000258.3 (MANE Select); coding-DNA position 81, one base deleted (T; older notation c.81delT).
Protein change: p.Glu28fs; shifts the reading frame from glutamic acid 28.
Molecular consequence: frameshift variant.
Genome position (GRCh38, 1-based): chr3:46,863,310, A deleted on the plus strand (T on the coding strand, the reverse complement: MYL3 is on the minus strand). VCF-style (leftmost placement, unchanged base first): chr3-46863309-CA-C. GRCh37 (hg19) VCF-style: chr3-46904799-CA-C.
Other names: c.81delT, p.Glu28Serfs (NM_000258.2); c.81del, p.Glu28fs (NM_001406937.1, NM_001406938.1, NM_001406939.1); short protein forms E28fs.
Identifiers: ClinVar variation 3373128 (VCV003373128.2).